The following is an entry in ClinVar:

ClinVar aggregate classification (germline): Uncertain significance (1 of 4 stars; one submission).

Conditions:
Neuropathy, hereditary sensory and autonomic, type 2A (HSAN2A). Also called: WNK1-Related HSAN2 (HSAN2A); ACROOSTEOLYSIS, GIACCAI TYPE; ACROOSTEOLYSIS, NEUROGENIC; MORVAN DISEASE; NEUROPATHY, CONGENITAL SENSORY; NEUROPATHY, HEREDITARY SENSORY RADICULAR, AUTOSOMAL RECESSIVE. Identifiers: Orphanet 970, MedGen C2752089, MONDO:0024309, OMIM 201300.
Pseudohypoaldosteronism type 2C (PHA2C). Also called: Pseudohypoaldosteronism Type IIC. Identifiers: Orphanet 757, Orphanet 88940, MedGen C1840391, MONDO:0013778, OMIM 614492.

gnomAD v4.1: 4 of 1,614,186 alleles (0.00025%); highest among the groups gnomAD compares: African/African-American, 0.0013%; no homozygotes.

Submission:

Labcorp Genetics (formerly Invitae), Labcorp
Classification: Uncertain significance for Neuropathy, hereditary sensory and autonomic, type 2A; Pseudohypoaldosteronism type 2C. Last evaluated: 2025-02-03. Review status: criteria provided, single submitter. Criteria: Invitae Variant Classification Sherloc (09022015). Collection method: clinical testing. Allele origin: germline.
Comment: This sequence change replaces leucine, which is neutral and non-polar, with valine, which is neutral and non-polar, at codon 1757 of the WNK1 protein (p.Leu1757Val). This variant is not present in population databases (gnomAD no frequency). This variant has not been reported in the literature in individuals affected with WNK1-related conditions. Invitae Evidence Modeling of protein sequence and biophysical properties (such as structural, functional, and spatial information, amino acid conservation, physicochemical variation, residue mobility, and thermodynamic stability) indicates that this missense variant is not expected to disrupt WNK1 protein function with a negative predictive value of 95%. Algorithms developed to predict the effect of sequence changes on RNA splicing suggest that this variant may create or strengthen a splice site. In summary, the available evidence is currently insufficient to determine the role of this variant in disease. Therefore, it has been classified as a Variant of Uncertain Significance.

NM_018979.4(WNK1):c.4513C>G (p.Leu1505Val)

Gene: WNK1 (WNK lysine deficient protein kinase 1; plus strand). Cytogenetic location: 12p13.33.
Variant type: single nucleotide variant.
Coding change: c.4513C>G on transcript NM_018979.4 (MANE Select); coding-DNA position 4513, C replaced by G.
Protein change: p.Leu1505Val; replaces leucine 1505 with valine.
Molecular consequence: missense variant.
Genome position (GRCh38, 1-based): chr12:885,317, C>G. VCF-style: chr12-885317-C-G. GRCh37 (hg19) VCF-style: chr12-994483-C-G.
Other names: c.5293C>G, p.Leu1765Val (NM_001184985.2); c.3772C>G, p.Leu1258Val (NM_014823.3); c.5269C>G, p.Leu1757Val (NM_213655.5); short protein forms L1258V, L1505V, L1765V, L1757V.
Identifiers: ClinVar variation 4783120 (VCV004783120.1).